The following is an entry in ClinVar:

NM_015102.5(NPHP4):c.1463G>A (p.Arg488Gln)

Gene: NPHP4 (nephrocystin 4; minus strand). Cytogenetic location: 1p36.31.
Variant type: single nucleotide variant.
Coding change: c.1463G>A on transcript NM_015102.5 (MANE Select); coding-DNA position 1463, G replaced by A.
Protein change: p.Arg488Gln; replaces arginine 488 with glutamine.
Molecular consequence: missense variant. On other transcripts: non-coding transcript variant (1), intron variant (2).
Genome position (GRCh38, 1-based): chr1:5,909,192, C>T on the plus strand (G>A on the coding strand, the complement: NPHP4 is on the minus strand). VCF-style: chr1-5909192-C-T. GRCh37 (hg19) VCF-style: chr1-5969252-C-T.
Other names: c.1463G>A (NM_015102.3, NM_015102.4); c.76-3409G>A (NM_001291594.2); c.76-3412G>A (NM_001291593.2); short protein forms R488Q.
Identifiers: ClinVar variation 1021731 (VCV001021731.6), dbSNP rs375429200, ClinGen allele CA554490.

ClinVar aggregate classification (germline): Conflicting classifications of pathogenicity. Review status: criteria provided, conflicting classifications (1 of 4 stars). 3 submissions from 3 submitters: Uncertain significance (2); Likely benign (1). Last evaluated 2026-01-05.

Conditions:
Inborn genetic diseases. Identifiers: MedGen C0950123, MeSH D030342.
Nephronophthisis. Also called: Juvenile Nephronophthisis. Identifiers: Orphanet 655, MedGen C0687120, MONDO:0019005, HP:0000090.
NPHP4-related disorder. Also called: NPHP4-related disorders; NPHP4-related condition. Identifiers: MedGen CN239384.

Allele frequency attached by ClinVar (database versions not stated): TOPMed 0.00006.
gnomAD v4.1: 206 of 1,603,952 alleles (0.013%); highest among the groups gnomAD compares: Non-Finnish European, 0.016%; no homozygotes.

Submissions (3):

PreventionGenetics, part of Exact Sciences
Classification: Uncertain significance for NPHP4-related condition. Last evaluated: 2026-01-05. Review status: criteria provided, single submitter. Criteria: ACMG Guidelines, 2015. Collection method: clinical testing. Allele origin: germline.
Comment: The NPHP4 c.1463G>A variant is predicted to result in the amino acid substitution p.Arg488Gln. To our knowledge, this variant has not been reported in the literature. This variant is reported in 0.012% of alleles in individuals of Latino descent in gnomAD. At this time, the clinical significance of this variant is uncertain due to the absence of conclusive functional and genetic evidence.

Ambry Genetics
Classification: Likely benign for Inborn genetic diseases. Last evaluated: 2025-08-20. Review status: criteria provided, single submitter. Criteria: Ambry Variant Classification Scheme 2023. Collection method: clinical testing. Allele origin: germline.

Labcorp Genetics (formerly Invitae), Labcorp
Classification: Uncertain significance for Nephronophthisis. Last evaluated: 2023-08-04. Review status: criteria provided, single submitter. Criteria: Invitae Variant Classification Sherloc (09022015). Collection method: clinical testing. Allele origin: germline.
Comment: This variant has not been reported in the literature in individuals affected with NPHP4-related conditions. In summary, the available evidence is currently insufficient to determine the role of this variant in disease. Therefore, it has been classified as a Variant of Uncertain Significance. Algorithms developed to predict the effect of missense changes on protein structure and function output the following: SIFT: "Not Available"; PolyPhen-2: "Benign"; Align-GVGD: "Not Available". The glutamine amino acid residue is found in multiple mammalian species, which suggests that this missense change does not adversely affect protein function. ClinVar contains an entry for this variant (Variation ID: 1021731). This variant is present in population databases (rs375429200, gnomAD 0.01%). This sequence change replaces arginine, which is basic and polar, with glutamine, which is neutral and polar, at codon 488 of the NPHP4 protein (p.Arg488Gln).